The following is an entry in ClinVar:

ClinVar aggregate classification (germline): Likely benign. Review status: criteria provided, multiple submitters, no conflicts (2 of 4 stars). 4 submissions from 4 submitters: Likely benign (3). 1 of the submissions does not count toward it. Last evaluated 2026-01-24.

Conditions:
Joubert syndrome. Also called: Familial aplasia of the vermis; JOUBERT-BOLTSHAUSER SYNDROME. Identifiers: Orphanet 475, MedGen C5979921, MONDO:0018772.
INPP5E-related disorder. Also called: INPP5E-related condition.

Allele frequency attached by ClinVar (database versions not stated): gnomAD exomes 0.00001 and 0.00003; ExAC 0.00003; gnomAD 0.00007 and 0.00008; ESP Exome Variant Server 0.00008; TOPMed 0.00015.

Submissions (4):

Labcorp Genetics (formerly Invitae), Labcorp
Classification: Likely benign for Joubert syndrome. Last evaluated: 2026-01-24. Review status: criteria provided, single submitter. Criteria: Invitae Variant Classification Sherloc (09022015). Collection method: clinical testing. Allele origin: germline.

Blueprint Genetics
Classification: Likely benign. Last evaluated: 2024-08-12. Review status: criteria provided, single submitter. Criteria: ACMG Guidelines, 2015. Collection method: clinical testing. Allele origin: germline.

Breakthrough Genomics
Classification: Likely benign. Review status: criteria provided, single submitter. Criteria: ACMG Guidelines, 2015. Collection method: not provided. Allele origin: germline. Inheritance: Autosomal recessive inheritance. Affected: yes.

PreventionGenetics, part of Exact Sciences
Classification: Likely benign for INPP5E-related condition. Last evaluated: 2022-07-14. Review status: no assertion criteria provided. Collection method: clinical testing. Allele origin: germline. Not counted in ClinVar's aggregate classification.
Comment: This variant is classified as likely benign based on ACMG/AMP sequence variant interpretation guidelines (Richards et al. 2015 PMID: 25741868, with internal and published modifications).

NM_019892.6(INPP5E):c.588C>T (p.Ala196=)

Gene: INPP5E (inositol polyphosphate-5-phosphatase E; minus strand). Cytogenetic location: 9q34.3.
Variant type: single nucleotide variant.
Coding change: c.588C>T on transcript NM_019892.6 (MANE Select); coding-DNA position 588, C replaced by T.
Protein change: p.Ala196=; no amino-acid change (alanine 196 retained).
Molecular consequence: synonymous variant.
Genome position (GRCh38, 1-based): chr9:136,438,832, G>A on the plus strand (C>T on the coding strand, the complement: INPP5E is on the minus strand). VCF-style: chr9-136438832-G-A. GRCh37 (hg19) VCF-style: chr9-139333284-G-A.
Other names: c.588C>T (NM_019892.5); c.588C>T, p.Ala196= (NM_001318502.2).
Identifiers: ClinVar variation 1584448 (VCV001584448.12), dbSNP rs368034918, ClinGen allele CA5337127.
Genomic context (GRCh38, chr9:136,438,832, plus strand): 5'-AAGATCCGAGTCGACCTTGTTTGCTGTCCTCAGGGAGTCGGAGGCGATGTCCAGGCTCAG[G>A]GCAGGCGGTGGGCGCGGGGGCAGCAGGCTGGGCAGCCTGGGCGAGCTCCCCGCCACGGCG-3'
Protein context (NP_063945.2, residues 186-206): PSLLPPRPPP[Ala196=]LSLDIASDSL